The following is an entry in ClinVar:

NM_025179.4(PLXNA2):c.1552G>A (p.Gly518Arg)

Gene: PLXNA2 (plexin A2; minus strand). Cytogenetic location: 1q32.2.
Variant type: single nucleotide variant.
Coding change: c.1552G>A on transcript NM_025179.4 (MANE Select); coding-DNA position 1552, G replaced by A.
Protein change: p.Gly518Arg; replaces glycine 518 with arginine.
Molecular consequence: missense variant.
Genome position (GRCh38, 1-based): chr1:208,103,202, C>T on the plus strand (G>A on the coding strand, the complement: PLXNA2 is on the minus strand). VCF-style: chr1-208103202-C-T. GRCh37 (hg19) VCF-style: chr1-208276547-C-T.
Other names: c.1552G>A (NM_025179.3); short protein forms G518R.
Identifiers: ClinVar variation 1959871 (VCV001959871.6), dbSNP rs2526753769, ClinGen allele CA344559008.

ClinVar aggregate classification (germline): Uncertain significance. Review status: criteria provided, multiple submitters, no conflicts (2 of 4 stars). 2 submissions from 2 submitters: Uncertain significance (2). Last evaluated 2025-10-06.

Conditions:
PLXNA2-related disorder. Also called: PLXNA2-related condition.

Allele frequency attached by ClinVar (database versions not stated): gnomAD exomes below 0.00001.
gnomAD v4.1: 2 of 1,614,152 alleles (0.00012%); highest among the groups gnomAD compares: Non-Finnish European, 0.00017%; no homozygotes.

Submissions (2):

PreventionGenetics, part of Exact Sciences
Classification: Uncertain significance for PLXNA2-related condition. Last evaluated: 2025-10-06. Review status: criteria provided, single submitter. Criteria: ACMG Guidelines, 2015. Collection method: clinical testing. Allele origin: germline.
Comment: The PLXNA2 c.1552G>A variant is predicted to result in the amino acid substitution p.Gly518Arg. To our knowledge, this variant has not been reported in the literature or in a large population database (gnomAD), indicating this variant is rare. At this time, the clinical significance of this variant is uncertain due to the absence of conclusive functional and genetic evidence.

Labcorp Genetics (formerly Invitae), Labcorp
Classification: Uncertain significance. Last evaluated: 2022-11-11. Review status: criteria provided, single submitter. Criteria: Invitae Variant Classification Sherloc (09022015). Collection method: clinical testing. Allele origin: germline.
Comment: Advanced modeling of protein sequence and biophysical properties (such as structural, functional, and spatial information, amino acid conservation, physicochemical variation, residue mobility, and thermodynamic stability) performed at Invitae indicates that this missense variant is not expected to disrupt PLXNA2 protein function. This sequence change replaces glycine, which is neutral and non-polar, with arginine, which is basic and polar, at codon 518 of the PLXNA2 protein (p.Gly518Arg). This variant is not present in population databases (gnomAD no frequency). This variant has not been reported in the literature in individuals affected with PLXNA2-related conditions. Algorithms developed to predict the effect of sequence changes on RNA splicing suggest that this variant may disrupt the consensus splice site. In summary, the available evidence is currently insufficient to determine the role of this variant in disease. Therefore, it has been classified as a Variant of Uncertain Significance.